The following is an entry in ClinVar:

NM_182961.4(SYNE1):c.3419T>C (p.Ile1140Thr)

Gene: SYNE1 (spectrin repeat containing nuclear envelope protein 1; minus strand). Cytogenetic location: 6q25.2.
Variant type: single nucleotide variant.
Coding change: c.3419T>C on transcript NM_182961.4 (MANE Select); coding-DNA position 3419, T replaced by C.
Protein change: p.Ile1140Thr; replaces isoleucine 1140 with threonine.
Molecular consequence: missense variant.
Genome position (GRCh38, 1-based): chr6:152,449,618, A>G on the plus strand (T>C on the coding strand, the complement: SYNE1 is on the minus strand). VCF-style: chr6-152449618-A-G. GRCh37 (hg19) VCF-style: chr6-152770753-A-G.
Other names: c.3440T>C, p.Ile1147Thr (NM_033071.5); short protein forms I1140T, I1147T.
Identifiers: ClinVar variation 1442708 (VCV001442708.8), dbSNP rs1352916426, ClinGen allele CA366149144.

ClinVar aggregate classification (germline): Uncertain significance (1 of 4 stars; one submission).

Conditions:
Emery-Dreifuss muscular dystrophy 4, autosomal dominant (EDMD4). Also called: EMERY-DREIFUSS MUSCULAR DYSTROPHY 4 WITH VARIABLE FEATURES. Identifiers: Orphanet 261, MedGen C2751807, MONDO:0013071, OMIM 612998.
Autosomal recessive ataxia, Beauce type. Also called: Spinocerebellar ataxia, autosomal recessive 8; ATAXIA, RECESSIVE, OF BEAUCE; SYNE1 Deficiency; SYNE1-Related Autosomal Recessive Cerebellar Ataxia. Identifiers: Orphanet 88644, MedGen C1853116, MONDO:0012549, OMIM 610743.

Allele frequency attached by ClinVar (database versions not stated): gnomAD exomes below 0.00001.
gnomAD v4.1: 1 of 1,613,782 alleles (0.000062%); highest among the groups gnomAD compares: Non-Finnish European, 0.000085%; no homozygotes.

Submission:

Labcorp Genetics (formerly Invitae), Labcorp
Classification: Uncertain significance for Emery-Dreifuss muscular dystrophy 4, autosomal dominant; Autosomal recessive ataxia, Beauce type. Last evaluated: 2020-12-19. Review status: criteria provided, single submitter. Criteria: Invitae Variant Classification Sherloc (09022015). Collection method: clinical testing. Allele origin: germline.
Comment: Algorithms developed to predict the effect of missense changes on protein structure and function are either unavailable or do not agree on the potential impact of this missense change (SIFT: "Deleterious"; PolyPhen-2: "Benign"; Align-GVGD: "Class C0"). In summary, the available evidence is currently insufficient to determine the role of this variant in disease. Therefore, it has been classified as a Variant of Uncertain Significance. This sequence change replaces isoleucine with threonine at codon 1147 of the SYNE1 protein (p.Ile1147Thr). The isoleucine residue is moderately conserved and there is a moderate physicochemical difference between isoleucine and threonine. This variant is not present in population databases (ExAC no frequency). This variant has not been reported in the literature in individuals with SYNE1-related conditions.